The following is an entry in ClinVar:

NM_002609.4(PDGFRB):c.3011C>T (p.Thr1004Ile)

Gene: PDGFRB (platelet derived growth factor receptor beta; minus strand). Cytogenetic location: 5q32.
Variant type: single nucleotide variant.
Coding change: c.3011C>T on transcript NM_002609.4 (MANE Select); coding-DNA position 3011, C replaced by T.
Protein change: p.Thr1004Ile; replaces threonine 1004 with isoleucine.
Molecular consequence: missense variant.
Genome position (GRCh38, 1-based): chr5:150,117,744, G>A on the plus strand (C>T on the coding strand, the complement: PDGFRB is on the minus strand). VCF-style: chr5-150117744-G-A. GRCh37 (hg19) VCF-style: chr5-149497307-G-A.
Other names: c.2819C>T, p.Thr940Ile (NM_001355016.2); c.2528C>T, p.Thr843Ile (NM_001355017.2); short protein forms T1004I, T843I, T940I.
Identifiers: ClinVar variation 1304018 (VCV001304018.4), dbSNP rs770576414, ClinGen allele CA3507453.

ClinVar aggregate classification (germline): Uncertain significance. Review status: criteria provided, multiple submitters, no conflicts (2 of 4 stars). 2 submissions from 2 submitters: Uncertain significance (2). Last evaluated 2023-08-19.

Conditions:
Inborn genetic diseases. Identifiers: MedGen C0950123, MeSH D030342.

Allele frequency attached by ClinVar (database versions not stated): gnomAD exomes 0.00001 and 0.00002; TOPMed 0.00001; ExAC 0.00002.
gnomAD v4.1: 18 of 1,613,528 alleles (0.0011%); highest among the groups gnomAD compares: Non-Finnish European, 0.0014%; no homozygotes.

Submissions (2):

Ambry Genetics
Classification: Uncertain significance for Inborn genetic diseases. Last evaluated: 2023-08-19. Review status: criteria provided, single submitter. Criteria: Ambry Variant Classification Scheme 2023. Collection method: clinical testing. Allele origin: germline.

GeneDx
Classification: Uncertain significance. Last evaluated: 2019-04-11. Review status: criteria provided, single submitter. Criteria: GeneDx Variant Classification Process June 2021. Collection method: clinical testing. Allele origin: germline. Affected: yes.
Comment: In silico analysis, which includes protein predictors and evolutionary conservation, supports a deleterious effect; Has not been previously published as pathogenic or benign to our knowledge